The following is an entry in ClinVar:

NM_001385641.1(SAMD11):c.2165G>C (p.Gly722Ala)

Gene: SAMD11 (sterile alpha motif domain containing 11; plus strand). Cytogenetic location: 1p36.33.
Variant type: single nucleotide variant.
Coding change: c.2165G>C on transcript NM_001385641.1 (MANE Select); coding-DNA position 2165, G replaced by C.
Protein change: p.Gly722Ala; replaces glycine 722 with alanine.
Molecular consequence: missense variant.
Genome position (GRCh38, 1-based): chr1:943,364, G>C. VCF-style: chr1-943364-G-C. GRCh37 (hg19) VCF-style: chr1-878744-G-C.
Other names: c.2168G>C, p.Gly723Ala (NM_001385640.1); c.1676G>C, p.Gly559Ala (NM_152486.4); c.1676G>C (NM_152486.2); short protein forms G559A, G722A, G723A.
Identifiers: ClinVar variation 1125924 (VCV001125924.11), dbSNP rs138897766, ClinGen allele CA503176.

ClinVar aggregate classification (germline): Likely benign. Review status: criteria provided, multiple submitters, no conflicts (2 of 4 stars). 3 submissions from 3 submitters: Likely benign (3). Last evaluated 2025-12-08.

Conditions:
SAMD11-related disorder. Also called: SAMD11-related condition.

Allele frequency attached by ClinVar (database versions not stated): ESP Exome Variant Server 0.00108; ExAC 0.00121; gnomAD 0.00128 and 0.00134; gnomAD exomes 0.00138 and 0.00149; TOPMed 0.00149; 1000 Genomes Project 0.00319; 1000 Genomes Project 30x 0.00328.
gnomAD v4.1: 2,348 of 1,573,616 alleles (0.15%); highest among the groups gnomAD compares: Admixed American, 0.42%; 4 homozygotes.

Submissions (3):

Labcorp Genetics (formerly Invitae), Labcorp
Classification: Likely benign. Last evaluated: 2025-12-08. Review status: criteria provided, single submitter. Criteria: Invitae Variant Classification Sherloc (09022015). Collection method: clinical testing. Allele origin: germline.

PreventionGenetics, part of Exact Sciences
Classification: Likely benign for SAMD11-related condition. Last evaluated: 2024-12-06. Review status: criteria provided, single submitter. Criteria: ACMG Guidelines, 2015. Collection method: clinical testing. Allele origin: germline.
Comment: This variant is classified as likely benign based on ACMG/AMP sequence variant interpretation guidelines (Richards et al. 2015 PMID: 25741868, with internal and published modifications).

Blueprint Genetics
Classification: Likely benign. Last evaluated: 2024-11-13. Review status: criteria provided, single submitter. Criteria: ACMG Guidelines, 2015. Collection method: clinical testing. Allele origin: germline.